The following is an entry in ClinVar:

ClinVar aggregate classification (germline): Pathogenic (1 of 4 stars; one submission).

Conditions:
Coxopodopatellar syndrome. Also called: SCOTT-TAOR SYNDROME; Small patella syndrome; Congenital coxa vara, patella aplasia and tarsal synostosis; ISCHIOCOXOPODOPATELLAR SYNDROME; PATELLA APLASIA, COXA VARA, AND TARSAL SYNOSTOSIS; ISCHIOCOXOPODOPATELLAR SYNDROME WITH OR WITHOUT PULMONARY ARTERIAL HYPERTENSION. Identifiers: Orphanet 1509, MedGen C1840061, MONDO:0007841, OMIM 147891.

Submission:

Clinical Biomedical Laboratory, Shriners Hospital For Children - Canada
Classification: Pathogenic for Coxopodopatellar syndrome. Last evaluated: 2025-05-12. Review status: criteria provided, single submitter. Criteria: ACMG Guidelines, 2015. Collection method: clinical testing. Allele origin: germline. Affected: yes.
Comment: This variant is predicted to cause a frameshift and introduce a premature stop codon leading to a loss of function of the affected allele. This variant is absent from the Genome Aggregation Database (v2.1.1). Loss of function variants in TBX4 are an established cause of ischiocoxopodopatellar syndrome (PMID: 23592887).

Literature cited by the submitters: PubMed 23592887.

NM_001321120.2(TBX4):c.1104_1107dup (p.Ser370fs)

Gene: TBX4 (T-box transcription factor 4; plus strand). Cytogenetic location: 17q23.2.
Variant type: Duplication.
Coding change: c.1104_1107dup on transcript NM_001321120.2 (MANE Select); coding-DNA positions 1104 to 1107, 4 bases duplicated (CCGT; older notation c.1104_1107dupCCGT).
Protein change: p.Ser370fs; shifts the reading frame from serine 370.
Molecular consequence: frameshift variant.
Genome position (GRCh38, 1-based): chr17:61,482,979-61,482,982, CCGT duplicated; duplicating any 4 consecutive bases within chr17:61,482,978-61,482,982 gives the same sequence; the c. name uses the placement nearest the transcript's 3' end. VCF-style (leftmost placement, unchanged base first): chr17-61482977-T-TTCCG. GRCh37 (hg19) VCF-style: chr17-59560338-T-TTCCG.
Other names: c.1101_1104dup, p.Ser369fs (NM_018488.3); c.1100_1103dup (NM_018488.3); short protein forms S369fs, S370fs.
Identifiers: ClinVar variation 3900700 (VCV003900700.1).